The following is an entry in ClinVar:

ClinVar aggregate classification (germline): Uncertain significance (1 of 4 stars; one submission).

Allele frequency attached by ClinVar (database versions not stated): gnomAD exomes below 0.00001.
gnomAD v4.1: 1 of 1,613,402 alleles (0.000062%); highest among the groups gnomAD compares: South Asian, 0.0011%; no homozygotes.

Submission:

Labcorp Genetics (formerly Invitae), Labcorp
Classification: Uncertain significance. Last evaluated: 2024-11-11. Review status: criteria provided, single submitter. Criteria: Invitae Variant Classification Sherloc (09022015). Collection method: clinical testing. Allele origin: germline.
Comment: This sequence change replaces methionine, which is neutral and non-polar, with valine, which is neutral and non-polar, at codon 41 of the SNX10 protein (p.Met41Val). This variant is not present in population databases (gnomAD no frequency). This variant has not been reported in the literature in individuals affected with SNX10-related conditions. ClinVar contains an entry for this variant (Variation ID: 2957113). An algorithm developed to predict the effect of missense changes on protein structure and function (PolyPhen-2) suggests that this variant is likely to be tolerated. In summary, the available evidence is currently insufficient to determine the role of this variant in disease. Therefore, it has been classified as a Variant of Uncertain Significance.

NM_013322.3(SNX10):c.121A>G (p.Met41Val)

Gene: SNX10 (sorting nexin 10; plus strand). Cytogenetic location: 7p15.2.
Variant type: single nucleotide variant.
Coding change: c.121A>G on transcript NM_013322.3 (MANE Select); coding-DNA position 121, A replaced by G.
Protein change: p.Met41Val; replaces methionine 41 with valine.
Molecular consequence: missense variant. On other transcripts: intron variant (1).
Genome position (GRCh38, 1-based): chr7:26,364,544, A>G. VCF-style: chr7-26364544-A-G. GRCh37 (hg19) VCF-style: chr7-26404164-A-G.
Other names: c.121A>G, p.Met41Val (NM_001199835.1, NM_001318199.3); c.112A>G, p.Met38Val (NM_001199837.3); c.199A>G, p.Met67Val (NM_001318198.1, NM_001362753.1, NM_001362754.1); c.-41+42A>G (NM_001199838.2); short protein forms M41V, M38V, M67V.
Identifiers: ClinVar variation 2957113 (VCV002957113.3), dbSNP rs2536151004, ClinGen allele CA367228029.